The following is an entry in ClinVar:

ClinVar aggregate classification (germline): Benign (1 of 4 stars; one submission).

Allele frequency attached by ClinVar (database versions not stated): 1000 Genomes Project 0.04113; gnomAD 0.04291 and 0.04631; 1000 Genomes Project 30x 0.04544; TOPMed 0.04897.
gnomAD v4.1: 6,474 of 152,244 alleles (4.3%); highest among the groups gnomAD compares: African/African-American, 15%; 454 homozygotes.

Submission:

GeneDx
Classification: Benign. Last evaluated: 2018-06-19. Review status: criteria provided, single submitter. Criteria: GeneDx Variant Classification (06012015). Collection method: clinical testing. Allele origin: germline. Affected: yes.
Comment: This variant is considered likely benign or benign based on one or more of the following criteria: it is a conservative change, it occurs at a poorly conserved position in the protein, it is predicted to be benign by multiple in silico algorithms, and/or has population frequency not consistent with disease.

NM_001105206.3(LAMA4):c.2174-180A>T

Gene: LAMA4 (laminin subunit alpha 4; minus strand). Cytogenetic location: 6q21.
Variant type: single nucleotide variant.
Coding change: c.2174-180A>T on transcript NM_001105206.3 (MANE Select); 180 bases into the intron before coding-DNA position 2174, A replaced by T.
Molecular consequence: intron variant.
Genome position (GRCh38, 1-based): chr6:112,148,516, T>A on the plus strand (A>T on the coding strand, the complement: LAMA4 is on the minus strand). VCF-style: chr6-112148516-T-A. GRCh37 (hg19) VCF-style: chr6-112469718-T-A.
Other names: c.2153-180A>T (NM_002290.5, NM_001105207.3).
Identifiers: ClinVar variation 675365 (VCV000675365.1), dbSNP rs73536582, ClinGen allele CA144897641.